The following is an entry in ClinVar:

NM_005245.4(FAT1):c.11556G>C (p.Glu3852Asp)

Gene: FAT1 (FAT atypical cadherin 1; minus strand). Cytogenetic location: 4q35.2.
Variant type: single nucleotide variant.
Coding change: c.11556G>C on transcript NM_005245.4 (MANE Select); coding-DNA position 11556, G replaced by C.
Protein change: p.Glu3852Asp; replaces glutamic acid 3852 with aspartic acid.
Molecular consequence: missense variant.
Genome position (GRCh38, 1-based): chr4:186,601,353, C>G on the plus strand (G>C on the coding strand, the complement: FAT1 is on the minus strand). VCF-style: chr4-186601353-C-G. GRCh37 (hg19) VCF-style: chr4-187522507-C-G.
Other names: c.11556G>C (NM_005245.3); short protein forms E3852D.
Identifiers: ClinVar variation 2070324 (VCV002070324.26), dbSNP rs202035728, ClinGen allele CA3165067.

ClinVar aggregate classification (germline): Uncertain significance. Review status: criteria provided, multiple submitters, no conflicts (2 of 4 stars). 3 submissions from 3 submitters: Uncertain significance (3). Last evaluated 2026-02-03.

Allele frequency attached by ClinVar (database versions not stated): ExAC 0.00020; TOPMed 0.00024; gnomAD 0.00030; ESP Exome Variant Server 0.00041.
gnomAD v4.1: 969 of 1,613,286 alleles (0.06%); highest among the groups gnomAD compares: Non-Finnish European, 0.079%; 1 homozygote.

Submissions (3):

GeneDx
Classification: Uncertain significance. Last evaluated: 2026-02-03. Review status: criteria provided, single submitter. Criteria: GeneDx Variant Classification Process June 2021. Collection method: clinical testing. Allele origin: germline.
Comment: In silico analysis suggests that this missense variant does not alter protein structure/function; Has not been previously published as pathogenic or benign to our knowledge

CeGaT Center for Human Genetics Tuebingen
Classification: Uncertain significance. Last evaluated: 2022-11-01. Review status: criteria provided, single submitter. Criteria: CeGaT Center For Human Genetics Tuebingen Variant Classification Criteria Version 2. Collection method: clinical testing. Allele origin: germline. Affected: yes. Observed: 1 variant allele.
Comment: FAT1: PM2

Labcorp Genetics (formerly Invitae), Labcorp
Classification: Uncertain significance. Last evaluated: 2022-08-08. Review status: criteria provided, single submitter. Criteria: Invitae Variant Classification Sherloc (09022015). Collection method: clinical testing. Allele origin: germline.
Comment: This sequence change replaces glutamic acid, which is acidic and polar, with aspartic acid, which is acidic and polar, at codon 3852 of the FAT1 protein (p.Glu3852Asp). This variant is present in population databases (rs202035728, gnomAD 0.04%). This variant has not been reported in the literature in individuals affected with FAT1-related conditions. Algorithms developed to predict the effect of missense changes on protein structure and function are either unavailable or do not agree on the potential impact of this missense change (SIFT: "Tolerated"; PolyPhen-2: "Possibly Damaging"; Align-GVGD: "Class C0"). In summary, the available evidence is currently insufficient to determine the role of this variant in disease. Therefore, it has been classified as a Variant of Uncertain Significance.